The following is an entry in ClinVar:

ClinVar aggregate classification (germline): Benign/Likely benign. Review status: criteria provided, multiple submitters, no conflicts (2 of 4 stars). 6 submissions from 6 submitters: Benign (3); Likely benign (2). 1 of the submissions does not count toward it. Last evaluated 2026-02-01.

Conditions:
Capillary malformation-arteriovenous malformation syndrome. Also called: Capillary malformation-arteriovenous malformation. Identifiers: Orphanet 137667, MedGen C1842180, MONDO:0012016.
Cardiovascular phenotype. Identifiers: MedGen CN230736.
RASA1-related disorder. Also called: RASA1-related condition.

Allele frequency attached by ClinVar (database versions not stated): gnomAD exomes 0.00055 and 0.00100; ESP Exome Variant Server 0.00008; TOPMed 0.00017; 1000 Genomes Project 0.00060; gnomAD 0.00071; 1000 Genomes Project 30x 0.00047; ExAC 0.00077.
gnomAD v4.1: 879 of 1,597,934 alleles (0.055%); highest among the groups gnomAD compares: Non-Finnish European, 0.033%; 3 homozygotes.

Submissions (6):

Labcorp Genetics (formerly Invitae), Labcorp
Classification: Benign for Capillary malformation-arteriovenous malformation syndrome. Last evaluated: 2026-02-01. Review status: criteria provided, single submitter. Criteria: Invitae Variant Classification Sherloc (09022015). Collection method: clinical testing. Allele origin: germline.

Ambry Genetics
Classification: Benign for Cardiovascular phenotype. Last evaluated: 2025-06-17. Review status: criteria provided, single submitter. Criteria: Ambry Variant Classification Scheme 2023. Collection method: clinical testing. Allele origin: germline.

Blueprint Genetics
Classification: Likely benign. Last evaluated: 2024-10-22. Review status: criteria provided, single submitter. Criteria: ACMG Guidelines, 2015. Collection method: clinical testing. Allele origin: germline.

CeGaT Center for Human Genetics Tuebingen
Classification: Benign. Last evaluated: 2022-12-01. Review status: criteria provided, single submitter. Criteria: CeGaT Center For Human Genetics Tuebingen Variant Classification Criteria Version 2. Collection method: clinical testing. Allele origin: germline. Affected: yes. Observed: 1 variant allele.
Comment: RASA1: BS1, BS2

ARUP Laboratories, Molecular Genetics and Genomics, ARUP Laboratories
Classification: Likely benign. Last evaluated: 2020-01-17. Review status: criteria provided, single submitter. Criteria: ARUP Molecular Germline Variant Investigation Process. Collection method: clinical testing. Allele origin: germline.

PreventionGenetics, part of Exact Sciences
Classification: Benign for RASA1-related condition. Last evaluated: 2024-07-30. Review status: no assertion criteria provided. Collection method: clinical testing. Allele origin: germline. Not counted in ClinVar's aggregate classification.
Comment: This variant is classified as benign based on ACMG/AMP sequence variant interpretation guidelines (Richards et al. 2015 PMID: 25741868, with internal and published modifications).

NM_002890.3(RASA1):c.1394G>A (p.Arg465His)

Genes: CCNH (cyclin H; minus strand), RASA1 (RAS p21 protein activator 1; plus strand). Cytogenetic location: 5q14.3.
Variant type: single nucleotide variant.
Coding change: c.1394G>A on transcript NM_002890.3 (MANE Select); coding-DNA position 1394, G replaced by A.
Protein change: p.Arg465His; replaces arginine 465 with histidine.
Molecular consequence: missense variant. On other transcripts: intron variant (1).
Genome position (GRCh38, 1-based): chr5:87,362,612, G>A. VCF-style: chr5-87362612-G-A. GRCh37 (hg19) VCF-style: chr5-86658429-G-A.
Other names: c.863G>A, p.Arg288His (NM_022650.3); c.933+32432C>T (NM_001364075.2); short protein forms R465H, R288H.
Identifiers: ClinVar variation 354517 (VCV000354517.46), dbSNP rs181630831, ClinGen allele CA3335741.